The following is an entry in ClinVar:

ClinVar aggregate classification (germline): Uncertain significance (1 of 4 stars; one submission).

Conditions:
STT3B-congenital disorder of glycosylation. Also called: Congenital disorder of glycosylation type 1x; CDG Ix; STT3B-CDG. Identifiers: Orphanet 370924, MedGen C2931007, MONDO:0014271, OMIM 615597.

Submission:

Labcorp Genetics (formerly Invitae), Labcorp
Classification: Uncertain significance for STT3B-congenital disorder of glycosylation. Last evaluated: 2022-01-27. Review status: criteria provided, single submitter. Criteria: Invitae Variant Classification Sherloc (09022015). Collection method: clinical testing. Allele origin: germline.
Comment: In summary, the available evidence is currently insufficient to determine the role of this variant in disease. Therefore, it has been classified as a Variant of Uncertain Significance. Algorithms developed to predict the effect of missense changes on protein structure and function are either unavailable or do not agree on the potential impact of this missense change (SIFT: "Deleterious"; PolyPhen-2: "Possibly Damaging"; Align-GVGD: "Class C0"). This variant has not been reported in the literature in individuals affected with STT3B-related conditions. This variant is not present in population databases (gnomAD no frequency). This sequence change replaces aspartic acid, which is acidic and polar, with tyrosine, which is neutral and polar, at codon 103 of the STT3B protein (p.Asp103Tyr).

NM_178862.3(STT3B):c.307G>T (p.Asp103Tyr)

Genes: STT3B (STT3 oligosaccharyltransferase complex catalytic subunit B; plus strand), LOC129936409 (ATAC-STARR-seq lymphoblastoid silent region 14163; plus strand). Cytogenetic location: 3p23.
Variant type: single nucleotide variant.
Coding change: c.307G>T on transcript NM_178862.3 (MANE Select); coding-DNA position 307, G replaced by T.
Protein change: p.Asp103Tyr; replaces aspartic acid 103 with tyrosine.
Molecular consequence: missense variant.
Genome position (GRCh38, 1-based): chr3:31,533,305, G>T. VCF-style: chr3-31533305-G-T. GRCh37 (hg19) VCF-style: chr3-31574797-G-T.
Other names: short protein forms D103Y.
Identifiers: ClinVar variation 1354333 (VCV001354333.6), dbSNP rs2125430351, ClinGen allele CA351831811.